The following is an entry in ClinVar:

ClinVar aggregate classification (germline): Pathogenic (1 of 4 stars; one submission).

Conditions:
Long QT syndrome (LQTS). Identifiers: MedGen C0023976, MeSH D008133, MONDO:0002442. Disease mechanism: loss of function. Inheritance: Various modes of inheritance.

Submission:

Labcorp Genetics (formerly Invitae), Labcorp
Classification: Pathogenic for Long QT syndrome. Last evaluated: 2021-07-07. Review status: criteria provided, single submitter. Criteria: Invitae Variant Classification Sherloc (09022015). Collection method: clinical testing. Allele origin: germline.
Comment: This sequence change creates a premature translational stop signal (p.Thr895Argfs*79) in the KCNH2 gene. It is expected to result in an absent or disrupted protein product. Loss-of-function variants in KCNH2 are known to be pathogenic (PMID: 10973849, 19862833). This variant is not present in population databases (ExAC no frequency). This variant has not been reported in the literature in individuals affected with KCNH2-related conditions. For these reasons, this variant has been classified as Pathogenic.

Literature cited by the submitters: PubMed 10973849; PubMed 19862833.

NM_000238.4(KCNH2):c.2684del (p.Thr895fs)

Gene: KCNH2 (potassium voltage-gated channel subfamily H member 2; minus strand). Cytogenetic location: 7q36.1.
Variant type: Deletion.
Coding change: c.2684del on transcript NM_000238.4 (MANE Select); coding-DNA position 2684, one base deleted (C; older notation c.2684delC).
Protein change: p.Thr895fs; shifts the reading frame from threonine 895.
Molecular consequence: frameshift variant.
Genome position (GRCh38, 1-based): chr7:150,948,452, G deleted on the plus strand (C on the coding strand, the reverse complement: KCNH2 is on the minus strand). VCF-style (leftmost placement, unchanged base first): chr7-150948451-CG-C. GRCh37 (hg19) VCF-style: chr7-150645539-CG-C.
Other names: c.1664del, p.Thr555fs (NM_172057.3); short protein forms T555fs, T895fs.
Identifiers: ClinVar variation 1455493 (VCV001455493.6), dbSNP rs2116937500, ClinGen allele CA2573141854.